The following is an entry in ClinVar:

ClinVar aggregate classification (germline): Pathogenic/Likely pathogenic. Review status: criteria provided, multiple submitters, no conflicts (2 of 4 stars). 6 submissions from 6 submitters: Pathogenic (3); Likely pathogenic (2). 1 of the submissions does not count toward it. Last evaluated 2026-07-02.

Conditions:
VPS13B-related disorder. Also called: VPS13B-related condition.
Cohen syndrome (COH1). Also called: Cutis verticis gyrata, retinitis pigmentosa, and sensorineural deafness; PEPPER SYNDROME. Identifiers: Orphanet 193, MedGen C0265223, MONDO:0008999, OMIM 216550.

Allele frequency attached by ClinVar (database versions not stated): ExAC 0.00001; gnomAD exomes 0.00001; TOPMed 0.00001; gnomAD 0.00002.

Submissions (6):

PreventionGenetics, part of Exact Sciences
Classification: Likely pathogenic for VPS13B-related condition. Last evaluated: 2026-07-02. Review status: criteria provided, single submitter. Criteria: ACMG Guidelines, 2015. Collection method: clinical testing. Allele origin: germline.
Comment: The VPS13B c.5259dupT variant is predicted to result in a frameshift and premature protein termination (p.Gly1754Trpfs*5). This variant, also known as c.5334dupT in an alternate transcript, was reported in the compound heterozygous state in an individual with Cohen syndrome (Figure 2 and Supplementary Table 2, Aradhya et al. 2012. PubMed ID: 22382802). This variant is reported in 0.0065% of alleles in individuals of European (Non-Finnish) descent in gnomAD. Frameshift variants in VPS13B are expected to be pathogenic. This variant is interpreted as likely pathogenic.

Labcorp Genetics (formerly Invitae), Labcorp
Classification: Pathogenic for Cohen syndrome. Last evaluated: 2025-09-03. Review status: criteria provided, single submitter. Criteria: Invitae Variant Classification Sherloc (09022015). Collection method: clinical testing. Allele origin: germline.
Comment: This sequence change creates a premature translational stop signal (p.Gly1779Trpfs*5) in the VPS13B gene. It is expected to result in an absent or disrupted protein product. Loss-of-function variants in VPS13B are known to be pathogenic (PMID: 15141358, 16648375, 20461111). This variant is present in population databases (rs762691090, gnomAD 0.007%). This variant has not been reported in the literature in individuals affected with VPS13B-related conditions. ClinVar contains an entry for this variant (Variation ID: 188881). For these reasons, this variant has been classified as Pathogenic.

Natera, Inc.
Classification: Likely pathogenic for Cohen syndrome. Last evaluated: 2024-10-21. Review status: criteria provided, single submitter. Criteria: Natera Variant Classification Schema (03/2026). Collection method: clinical testing. Allele origin: germline.
Comment: The c.5334dupT variant in VPS13B is a frameshift variant predicted to shift the reading frame beginning at codon 1779 and leads to a stop codon 5 codons downstream. This variant is expected to result in nonsense mediated decay, truncation, or a dysfunctional protein product. This variant is rare in the general population with a frequency below the threshold expected for the associated phenotype(s). Given the available evidence, this variant is classified as Likely Pathogenic.

Women's Health and Genetics/Laboratory Corporation of America, LabCorp
Classification: Pathogenic for Cohen syndrome. Last evaluated: 2024-06-12. Review status: criteria provided, single submitter. Criteria: LabCorp Variant Classification Summary - May 2015. Collection method: clinical testing. Allele origin: germline.
Comment: Variant summary: VPS13B c.5334dupT (p.Gly1779TrpfsX5) results in a premature termination codon, predicted to cause a truncation of the encoded protein or absence of the protein due to nonsense mediated decay, which are commonly known mechanisms for disease. The variant was absent in 250628 control chromosomes. c.5334dupT has been reported in the literature in at least one compound heterozygous individual affected with Cohen Syndrome (Aradhya_2012). To our knowledge, no experimental evidence demonstrating an impact on protein function has been reported. The following publication has been ascertained in the context of this evaluation (PMID: 22382802). ClinVar contains an entry for this variant (Variation ID: 188881). Based on the evidence outlined above, the variant was classified as pathogenic.

GeneDx
Classification: Pathogenic. Last evaluated: 2021-04-07. Review status: criteria provided, single submitter. Criteria: GeneDx Variant Classification Process June 2021. Collection method: clinical testing. Allele origin: germline. Affected: yes.
Comment: Frameshift variant predicted to result in protein truncation or nonsense mediated decay in a gene for which loss-of-function is a known mechanism of disease; Reported in a patient with Cohen syndrome who also harbored an intragenic deletion of exon 31 in the literature (Aradhya et al., 2012), but it is not known whether these variants occurred on the same (in cis) or opposite (in trans) alleles; Not observed at a significant frequency in large population cohorts (Lek et al., 2016); This variant is associated with the following publications: (PMID: 22382802)

Counsyl
Classification: Likely pathogenic for Cohen syndrome. Last evaluated: 2014-07-11. Review status: no assertion criteria provided. Collection method: literature only. Allele origin: unknown. Inheritance: Autosomal recessive inheritance. Not counted in ClinVar's aggregate classification.

Literature cited by the submitters: PubMed 15141358 (cited by Labcorp Genetics (formerly Invitae), Labcorp); PubMed 16648375 (cited by Labcorp Genetics (formerly Invitae), Labcorp); PubMed 20461111 (cited by Labcorp Genetics (formerly Invitae), Labcorp); PubMed 22382802 (cited by Women's Health and Genetics/Laboratory Corporation of America, LabCorp and Counsyl).

NM_152564.5(VPS13B):c.5259dup (p.Gly1754fs)

Gene: VPS13B (vacuolar protein sorting 13 homolog B; plus strand). Cytogenetic location: 8q22.2.
Variant type: Duplication.
Coding change: c.5259dup on transcript NM_152564.5 (MANE Select); coding-DNA position 5259, one base duplicated (T; older notation c.5259dupT).
Protein change: p.Gly1754fs; shifts the reading frame from glycine 1754.
Molecular consequence: frameshift variant.
Genome position (GRCh38, 1-based): chr8:99,641,849, T duplicated. VCF-style (leftmost placement, unchanged base first): chr8-99641848-A-AT. GRCh37 (hg19) VCF-style: chr8-100654076-A-AT.
Other names: c.5334dup, p.Gly1779fs (NM_017890.5); c.5334dupT (NM_017890.4, NM_017890.5); c.5259dupT (NM_152564.4); short protein forms G1779fs, G1754fs.
Identifiers: ClinVar variation 188881 (VCV000188881.16), dbSNP rs786204533, ClinGen allele CA274074.